The following is an entry in ClinVar:

ClinVar aggregate classification (germline): Uncertain significance. Review status: criteria provided, multiple submitters, no conflicts (2 of 4 stars). 2 submissions from 2 submitters: Uncertain significance (2). Last evaluated 2023-04-27.

Allele frequency attached by ClinVar (database versions not stated): gnomAD exomes 0.00003.
gnomAD v4.1: 29 of 1,124,230 alleles (0.0026%); highest among the groups gnomAD compares: Non-Finnish European, 0.0034%; no homozygotes.

Submissions (2):

Labcorp Genetics (formerly Invitae), Labcorp
Classification: Uncertain significance. Last evaluated: 2023-04-27. Review status: criteria provided, single submitter. Criteria: Invitae Variant Classification Sherloc (09022015). Collection method: clinical testing. Allele origin: germline.
Comment: In summary, the available evidence is currently insufficient to determine the role of this variant in disease. Therefore, it has been classified as a Variant of Uncertain Significance. Advanced modeling of protein sequence and biophysical properties (such as structural, functional, and spatial information, amino acid conservation, physicochemical variation, residue mobility, and thermodynamic stability) performed at Invitae indicates that this missense variant is not expected to disrupt NYX protein function. This missense change has been observed in individual(s) with congenital stationary night blindness (CSNB) (PMID: 35456422). This variant is not present in population databases (gnomAD no frequency). This sequence change replaces leucine, which is neutral and non-polar, with phenylalanine, which is neutral and non-polar, at codon 154 of the NYX protein (p.Leu154Phe).

Blueprint Genetics
Classification: Uncertain significance. Last evaluated: 2021-06-30. Review status: criteria provided, single submitter. Criteria: ACMG Guidelines, 2015. Collection method: clinical testing. Allele origin: germline.

Literature cited by the submitters: PubMed 35456422 (cited by Labcorp Genetics (formerly Invitae), Labcorp).

NM_001378477.3(NYX):c.445C>T (p.Leu149Phe)

Gene: NYX (nyctalopin; plus strand). Cytogenetic location: Xp11.4.
Variant type: single nucleotide variant.
Coding change: c.445C>T on transcript NM_001378477.3 (MANE Select); coding-DNA position 445, C replaced by T.
Protein change: p.Leu149Phe; replaces leucine 149 with phenylalanine.
Molecular consequence: missense variant.
Genome position (GRCh38, 1-based): chrX:41,473,913, C>T. VCF-style: chrX-41473913-C-T. GRCh37 (hg19) VCF-style: chrX-41333166-C-T.
Other names: c.445C>T, p.Leu149Phe (NM_022567.3); short protein forms L149F.
Identifiers: ClinVar variation 2781189 (VCV002781189.4), dbSNP rs1212847147, ClinGen allele CA412990391.